The following is an entry in ClinVar:

ClinVar aggregate classification (germline): Pathogenic (1 of 4 stars; one submission).

Conditions:
Fanconi anemia complementation group A (FANCA). Also called: FANCA-Related Fanconi Anemia; Fanconi anemia, group A. Identifiers: Orphanet 84, MedGen C3469521, MONDO:0009215, OMIM 227650.

Submission:

Broad Center for Mendelian Genomics, Broad Institute of MIT and Harvard
Classification: Pathogenic for Fanconi anemia complementation group A. Last evaluated: 2023-08-24. Review status: criteria provided, single submitter. Criteria: ACMG/ClinGen CNV Guidelines, 2019. Collection method: research. Allele origin: inherited. Inheritance: Autosomal recessive inheritance. Affected: yes.
Comment: A homozygous deletion of exons 18-28 in FANCA (NM_000135.4) was identified by exome sequencing and confirmed by genome sequencing in one individual with Fanconi anemia ([GRCh 38] chr16:89764114-89781847x0)(PMID: 30637794). The individual homozygous for this variant had an abnormal chromosomal breakage study, a highly specific cytogenetic test that confirms a diagnosis of Fanconi anemia. This exon deletion has also been reported in the literature in at least 3 individuals with Fanconi anemia (PMID: 28717661, 6809308). Of the affected individuals, at least one was a homozygote, which increases the likelihood that the exon 18-28 deletion variant is pathogenic (PMID: 6809308, 10936108). This intragenic variant is a deletion of 10 exons and is not predicted to alter the protein reading-frame, but this deletion will likely impact the protein. Loss of function of FANCA is an established disease mechanism in autosomal recessive Fanconi anemia. In vitro functional studies provide some evidence that this deletion may impact protein function (western blot showed modified protein expression in HSC72 cells with a homozygous exon 18-28 deletion (PMID: 11063725)). However, these types of assays may not accurately represent biological function. In summary, this variant meets criteria to be classified as pathogenic for autosomal recessive Fanconi anemia. The ACMG/ClinGen evidence codes and points used in this curation are as follows: 1: 0 points, 2: 0.45 points, 3: 0 points, 4-5: 0.45 points; Functional data: 0.15 points; Total: 1.05 points; Riggs 2020 (PMID: 31690835).

Literature cited by the submitters: PubMed 28717661; PubMed 6809308; PubMed 10936108; PubMed 11063725.

GRCh38/hg38 16q24.3(chr16:89764114-89781847)x0

Genes: FANCA (FA complementation group A; minus strand), LOC130059838 (ATAC-STARR-seq lymphoblastoid active region 11421; plus strand), LOC130059837 (ATAC-STARR-seq lymphoblastoid active region 11420; plus strand). Cytogenetic location: 16q24.3.
Variant type: copy number loss.
Change: copy number 0 (both copies lost) of chr16:89,764,114-89,781,847 (17.7 kb, GRCh38 coordinates, 1-based), cytogenetic band 16q24.3.
Identifiers: ClinVar variation 2579210 (VCV002579210.1).